The following is an entry in ClinVar:

ClinVar aggregate classification (germline): Pathogenic. Review status: criteria provided, single submitter (1 of 4 stars). 2 submissions from 2 submitters: Pathogenic (1). 1 of the submissions does not count toward it. Last evaluated 2022-01-03.

Conditions:
Retinitis pigmentosa 3. Also called: CHOROIDORETINAL DEGENERATION WITH RETINAL REFLEX IN HETEROZYGOUS WOMEN. Identifiers: Orphanet 791, MedGen C1845667, MONDO:0010227, OMIM 300029.
X-linked cone-rod dystrophy. Identifiers: MedGen CN323387, MONDO:0021155.

Submissions (2):

3billion
Classification: Pathogenic for Retinitis pigmentosa 3. Last evaluated: 2022-01-03. Review status: criteria provided, single submitter. Criteria: ACMG Guidelines, 2015. Collection method: clinical testing. Allele origin: germline. Affected: yes. Observed: 1 hemizygote.
Comment: Frameshift: predicted to result in a loss or disruption of normal protein function through nonsense-mediated decay (NMD) or protein truncation. Multiple pathogenic variants are reported downstream of the variant (PVS1_VS). It is not observed in the gnomAD v2.1.1 dataset (PM2_M). The variant has been reported to be associated with RPGR related disorder (PMID:32856788).Therefore, this variant is classified as pathogenic according to the recommendation of ACMG/AMP guideline.

Genetic Eye Disease Investigation Unit, University of Auckland
Classification: Pathogenic for X-LINKED ROD CONE DYSTROPHY. Last evaluated: 2023-01-03. Review status: no assertion criteria provided. Collection method: clinical testing. Allele origin: maternal. Affected: yes. Observed: 3 variant alleles. Clinical features observed: Rod-cone dystrophy (HP:0000510). Not counted in ClinVar's aggregate classification.

Literature cited by the submitters: PubMed 32856788 (cited by 3billion).

NM_001034853.2(RPGR):c.1379del (p.Leu460fs)

Gene: RPGR (retinitis pigmentosa GTPase regulator; minus strand). Cytogenetic location: Xp11.4.
Variant type: Deletion.
Coding change: c.1379del on transcript NM_001034853.2 (MANE Select); coding-DNA position 1379, one base deleted (T; older notation c.1379delT).
Protein change: p.Leu460fs; shifts the reading frame from leucine 460.
Molecular consequence: frameshift variant. On other transcripts: non-coding transcript variant (6).
Genome position (GRCh38, 1-based): chrX:38,297,319, A deleted on the plus strand (T on the coding strand, the reverse complement: RPGR is on the minus strand); the first of 2 consecutive A bases (chrX:38,297,319-38,297,320); deleting either gives the same sequence. VCF-style (leftmost placement, unchanged base first): chrX-38297318-TA-T. GRCh37 (hg19) VCF-style: chrX-38156571-TA-T.
Other names: c.1376del, p.Leu459fs (NM_001367245.1, NM_001367249.1, NM_001367250.1); c.1193del, p.Leu398fs (NM_001367246.1, NM_001367251.1); c.1379del, p.Leu460fs (NM_001367247.1, NM_000328.3); c.1409del, p.Leu470fs (NM_001367248.1); c.1379delT (NM_001034853.2); short protein forms L398fs, L459fs, L460fs, L470fs.
Identifiers: ClinVar variation 1333218 (VCV001333218.3), dbSNP rs2147227522, ClinGen allele CA2573055300.